The following is an entry in ClinVar:

ClinVar aggregate classification (germline): Likely pathogenic. Review status: criteria provided, single submitter (1 of 4 stars). 2 submissions from 2 submitters: Likely pathogenic (1). 1 of the submissions does not count toward it. Last evaluated 2015-10-15.

Conditions:
Pyruvate dehydrogenase E1-alpha deficiency (PDHAD). Also called: Ataxia, intermittent, with pyruvate dehydrogenase, or decarboxylase, deficiency; ATAXIA WITH LACTIC ACIDOSIS I; ATAXIA, INTERMITTENT, WITH PYRUVATE DEHYDROGENASE DEFICIENCY; ATAXIA, INTERMITTENT, WITH ABNORMAL PYRUVATE METABOLISM. Identifiers: Orphanet 79243, MedGen C1839413, MONDO:0010717, OMIM 312170.

Submissions (2):

GeneDx
Classification: Likely pathogenic. Last evaluated: 2015-10-15. Review status: criteria provided, single submitter. Criteria: GeneDx Variant Classification (06012015). Collection method: clinical testing. Allele origin: germline. Affected: yes.
Comment: The G122S variant was not observed in approximately 6,500 individuals of European and African American ancestry in the NHLBI Exome Sequencing Project, indicating it is not a common benign variant in these populations. The G122S variant is a non-conservative amino acid substitution, which occurs at a position that is conserved across species. In silico analysis predicts this variant is probably damaging to the protein structure/function. Missense variants in nearby residues (R119W, H121Q, R127W, R127Q) have been reported in the Human Gene Mutation Database in association with pyruvate dehydrogenase deficiency (Stenson et al., 2014), supporting the functional importance of this region of the protein. The G122S variant is a strong candidate for a pathogenic variant.

PDHA1 Study Group, University Children’s Hospital, Paracelsus Medical University
Classification: Likely pathogenic for Pyruvate dehydrogenase E1-alpha deficiency. Last evaluated: 2024-10-15. Review status: no assertion criteria provided. Collection method: research. Allele origin: germline. Affected: yes. Observed: 2 variant alleles. Not counted in ClinVar's aggregate classification.
Comment: The NM_000284.3:c.364G>A (p.Gly122Ser) substitution is a missense variant in PDHA1 gene. In total, 2 individuals were diagnosed with PDHA1-related Pyruvate dehydrogenase complex (PDHc) deficiency (MIM #312170). This variant has been identified in 2 unpublished cases from internal data. Last literature search: July 12, 2024. This variant is absent or extremely rare in population-based cohorts in the Genome Aggregation Database (gnomAD). Individuals harboring this variant presented with clinical features compatible with PDHA1-related PDHc deficiency. In summary, this variant meets criteria to be classified as likely pathogenic (LP) for PDHA1-related PDHc deficiency based on the ACMG/AMP criteria applied: PM1, PM2, PM7, PP3 (last assessment October 15, 2024).

Literature cited by the submitters: DOI 10.1093/brain/awaf430 (cited by PDHA1 Study Group, University Children’s Hospital, Paracelsus Medical University).

NM_000284.4(PDHA1):c.364G>A (p.Gly122Ser)

Gene: PDHA1 (pyruvate dehydrogenase E1 subunit alpha 1; plus strand). Cytogenetic location: Xp22.12.
Variant type: single nucleotide variant.
Coding change: c.364G>A on transcript NM_000284.4 (MANE Select); coding-DNA position 364, G replaced by A.
Protein change: p.Gly122Ser; replaces glycine 122 with serine.
Molecular consequence: missense variant.
Genome position (GRCh38, 1-based): chrX:19,351,353, G>A. VCF-style: chrX-19351353-G-A. GRCh37 (hg19) VCF-style: chrX-19369471-G-A.
Other names: c.478G>A, p.Gly160Ser (NM_001173454.2); c.385G>A, p.Gly129Ser (NM_001173455.2); c.364G>A, p.Gly122Ser (NM_001173456.2); short protein forms G122S, G160S, G129S.
Identifiers: ClinVar variation 431915 (VCV000431915.3), dbSNP rs1555933643, ClinGen allele CA412391135.